The following is an entry in ClinVar:

NM_001105206.3(LAMA4):c.3846C>T (p.Phe1282=)

Gene: LAMA4 (laminin subunit alpha 4; minus strand). Cytogenetic location: 6q21.
Variant type: single nucleotide variant.
Coding change: c.3846C>T on transcript NM_001105206.3 (MANE Select); coding-DNA position 3846, C replaced by T.
Protein change: p.Phe1282=; no amino-acid change (phenylalanine 1282 retained).
Molecular consequence: synonymous variant.
Genome position (GRCh38, 1-based): chr6:112,131,090, G>A on the plus strand (C>T on the coding strand, the complement: LAMA4 is on the minus strand). VCF-style: chr6-112131090-G-A. GRCh37 (hg19) VCF-style: chr6-112452292-G-A.
Other names: c.3825C>T (LRG_433t2); c.3825C>T, p.Phe1275= (NM_001105207.3, NM_002290.5).
Identifiers: ClinVar variation 388619 (VCV000388619.1), dbSNP rs1057523170, ClinGen allele CA16604956.

ClinVar aggregate classification (germline): Likely benign (1 of 4 stars; one submission).

Allele frequency attached by ClinVar (database versions not stated): gnomAD exomes below 0.00001.
gnomAD v4.1: 1 of 1,612,962 alleles (0.000062%); highest among the groups gnomAD compares: East Asian, 0.0022%; no homozygotes.

Submission:

GeneDx
Classification: Likely benign. Last evaluated: 2016-08-12. Review status: criteria provided, single submitter. Criteria: GeneDx Variant Classification (06012015). Collection method: clinical testing. Allele origin: germline. Affected: yes.
Comment: This variant is considered likely benign or benign based on one or more of the following criteria: it is a conservative change, it occurs at a poorly conserved position in the protein, it is predicted to be benign by multiple in silico algorithms, and/or has population frequency not consistent with disease.